The following is an entry in ClinVar:

NM_017780.4(CHD7):c.4120_4121dup (p.Asn1374fs)

Gene: CHD7 (chromodomain helicase DNA binding protein 7; plus strand). Cytogenetic location: 8q12.2.
Variant type: Duplication.
Coding change: c.4120_4121dup on transcript NM_017780.4 (MANE Select); coding-DNA positions 4120 to 4121, 2 bases duplicated (AA; older notation c.4120_4121dupAA).
Protein change: p.Asn1374fs; shifts the reading frame from asparagine 1374.
Molecular consequence: frameshift variant. On other transcripts: intron variant (1).
Genome position (GRCh38, 1-based): chr8:60,836,947-60,836,948, AA duplicated. VCF-style (leftmost placement, unchanged base first): chr8-60836946-T-TAA. GRCh37 (hg19) VCF-style: chr8-61749505-T-TAA.
Other names: c.1717-25282_1717-25281dup (NM_001316690.1); short protein forms N1374fs.
Identifiers: ClinVar variation 1301745 (VCV001301745.2), dbSNP rs2150777291, ClinGen allele CA2573053035.

ClinVar aggregate classification (germline): Pathogenic. Review status: criteria provided, single submitter (1 of 4 stars). 2 submissions from 1 submitter: Pathogenic (1). 1 of the submissions does not count toward it. Last evaluated 2022-12-17.

Submissions (2):

Dubai Health Genomic Medicine Center, Dubai Health
Classification: Pathogenic. Last evaluated: 2022-12-17. Review status: criteria provided, single submitter. Criteria: ACMG Guidelines, 2015. Collection method: clinical testing. Allele origin: germline. Affected: yes.

Dubai Health Genomic Medicine Center, Dubai Health
Classification: Pathogenic. Last evaluated: 2020-02-23. Review status: flagged submission. Criteria: ACMG Guidelines, 2015. Collection method: clinical testing. Allele origin: germline. Affected: yes. Not counted in ClinVar's aggregate classification.
Comment: The Asn1374Lys variant in CHD7 has not been previously identified in individuals with disease and was absent from large population studies. This frameshift variant is predicted to alter the protein's amino acid sequence beginning at position 1374 and lead to a premature termination codon 31 amino acids downstream. This alteration is then predicted to lead to a truncated or absent protein. Heterozygous Loss of function of the CHD7 gene is an established disease mechanism for CHARGE syndrome. The variant is de novo and confirmed not to exist in either parent. In summary this variant meets our criteria for pathogenicity.
ClinVar note: Reason: This record appears to be redundant with a more recent record from the same submitter.
ClinVar note: Notes: SCV001984481 appears to be redundant with SCV002818226.